The following is an entry in ClinVar:

NM_152906.7(TANGO2):c.59T>G (p.Leu20Arg)

Gene: TANGO2 (transport and golgi organization 2 homolog; plus strand). Cytogenetic location: 22q11.21.
Variant type: single nucleotide variant.
Coding change: c.59T>G on transcript NM_152906.7 (MANE Select); coding-DNA position 59, T replaced by G.
Protein change: p.Leu20Arg; replaces leucine 20 with arginine.
Molecular consequence: missense variant. On other transcripts: 5 prime UTR variant (12), non-coding transcript variant (5).
Genome position (GRCh38, 1-based): chr22:20,043,357, T>G. VCF-style: chr22-20043357-T-G. GRCh37 (hg19) VCF-style: chr22-20030880-T-G.
Other names: NR_136211.2:n.235T>G; c.59T>G, p.Leu20Arg (NM_001283106.3, NM_001283116.3, NM_001283148.3 and 10 more transcripts); c.182T>G, p.Leu61Arg (NM_001283129.3, NM_001283215.3, NM_001322141.2 and 5 more transcripts); c.-121T>G (NM_001283235.3, NM_001322146.2, NM_001322148.2 and 9 more transcripts); short protein forms L20R, L61R.
Identifiers: ClinVar variation 1312497 (VCV001312497.3), dbSNP rs1191958022, ClinGen allele CA410692811.
Genomic context (GRCh38, chr22:20,043,357, plus strand): 5'-AAAAGACTTGGCTCGCTCGTTTCCATCTGAAGCCATCAGTGATGCTTTCCTCTTGCAGGC[T>G]CATCTTGGCAGCCAACAGGGATGAATTCTACAGCCGACCCTCCAAGTTAGCTGACTTCTG-3'
Protein context (NP_690870.3, residues 10-30): PRPVSKNAYR[Leu20Arg]ILAANRDEFY

ClinVar aggregate classification (germline): Uncertain significance. Review status: criteria provided, single submitter (1 of 4 stars). 2 submissions from 2 submitters: Uncertain significance (1). 1 of the submissions does not count toward it. Last evaluated 2021-05-21.

Conditions:
Recurrent metabolic encephalomyopathic crises-rhabdomyolysis-cardiac arrhythmia-intellectual disability syndrome (MECRCN). Also called: METABOLIC CRISES, RECURRENT, WITH RHABDOMYOLYSIS, CARDIAC ARRHYTHMIAS, AND NEURODEGENERATION; TANGO2 Deficiency; Metabolic encephalomyopathic crises, recurrent, with rhabdomyolysis, cardiac arrhythmias, and neurodegeneration. Identifiers: Orphanet 480864, MedGen C5567524, MONDO:0018820, OMIM 616878.

Allele frequency attached by ClinVar (database versions not stated): gnomAD exomes below 0.00001.
gnomAD v4.1: 1 of 1,611,662 alleles (0.000062%); highest among the groups gnomAD compares: Non-Finnish European, 0.000085%; no homozygotes.

Submissions (2):

Broad Center for Mendelian Genomics, Broad Institute of MIT and Harvard
Classification: Uncertain significance for Recurrent metabolic encephalomyopathic crises-rhabdomyolysis-cardiac arrhythmia-intellectual disability syndrome. Last evaluated: 2021-05-21. Review status: criteria provided, single submitter. Criteria: ACMG Guidelines, 2015. Collection method: curation. Allele origin: germline. Inheritance: Autosomal recessive inheritance.
Comment: The p.Leu20Arg variant in TANGO2 has been reported in 2 European individuals with metabolic encephalomyopathic crises, recurrent, with rhabdomyolysis, cardiac arrhythmias, and neurodegeneration (MECRCN) (PMID: 31276219), segregated with disease in these 2 affected relatives from 1 family (PMID: 31276219), and has been identified in 0.0009% (1/113400) of European (Non-Finnish) chromosomes by the Genome Aggregation Database (gnomAD; dbSNP ID: rs1191958022). Although this variant has been seen in the general population in a heterozygous state, its frequency is low enough to be consistent with a recessive carrier frequency. Computational prediction tools and conservation analyses do not provide strong support for or against an impact to the protein. In summary, the clinical significance of the p.Arg32Gln variant is uncertain. ACMG/AMP Criteria applied: PM2_supporting (Richards 2015).

OMIM
Classification: Pathogenic for METABOLIC CRISES, RECURRENT, WITH RHABDOMYOLYSIS, CARDIAC ARRHYTHMIAS, AND NEURODEGENERATION. Last evaluated: 2023-01-27. Review status: no assertion criteria provided. Collection method: literature only. Allele origin: germline. Not counted in ClinVar's aggregate classification.

Literature cited by the submitters: PubMed 31276219 (cited by OMIM).